The following is an entry in ClinVar:

ClinVar aggregate classification (germline): Conflicting classifications of pathogenicity. Review status: criteria provided, conflicting classifications (1 of 4 stars). 10 submissions from 10 submitters: Uncertain significance (8); Likely benign (2). Last evaluated 2025-12-31.

Conditions:
Familial cancer of breast. Also called: hereditary breast carcinoma; BREAST CANCER, FAMILIAL; Hereditary breast cancer. Identifiers: Orphanet 227535, MedGen C0346153, MONDO:0016419, OMIM 114480. Disease mechanism: loss of function.
Breast-ovarian cancer, familial, susceptibility to, 2 (BROVCA2). Also called: BRCA2 Hereditary Breast and Ovarian Cancer. Identifiers: Orphanet 145, MedGen C2675520, MONDO:0012933, OMIM 612555. Disease mechanism: loss of function.
Fanconi anemia complementation group D1. Also called: BRCA2-Related Fanconi Anemia. Identifiers: Orphanet 319462, MedGen C1838457, MONDO:0011584, OMIM 605724.
Medulloblastoma (MDB). Also called: Medulloblastoma, somatic; MEDULLOBLASTOMA PREDISPOSITION SYNDROME. Identifiers: Orphanet 616, MedGen C0025149, MeSH D008527, MONDO:0007959, OMIM 155255, HP:0002885.
Prostate cancer. Also called: Malignant tumor of prostate. Identifiers: Orphanet 1331, MedGen C0376358, MONDO:0008315, HP:0012125.
Wilms tumor 1 (WT1). Also called: Wilms tumor, somatic. Identifiers: Orphanet 654, MedGen CN033288, MONDO:0008679, OMIM 194070.
Pancreatic cancer, susceptibility to, 2. Identifiers: Orphanet 1333, MedGen C3150546, MONDO:0013235, OMIM 613347.
Glioma susceptibility 3 (GLM3). Also called: Glioblastoma 3. Identifiers: Orphanet 182067, Orphanet 360, MedGen C2751641, MONDO:0013093, OMIM 613029.
Hereditary cancer-predisposing syndrome. Also called: Neoplastic Syndromes, Hereditary; Hereditary neoplastic syndrome; Hereditary Cancer Syndrome; Tumor predisposition. Identifiers: Orphanet 140162, MedGen C0027672, MeSH D009386, MONDO:0015356.
Hereditary breast ovarian cancer syndrome. Also called: BRCA1- and BRCA2-Associated Hereditary Breast and Ovarian Cancer; Hereditary breast and ovarian cancer syndrome; Hereditary breast and ovarian cancer syndrome (HBOC); Hereditary breast and ovarian cancer; Breast and ovarian cancer; Hereditary breast and/or ovarian cancer syndrome. Identifiers: Orphanet 145, MedGen C0677776, MeSH D061325, MONDO:0003582. Disease mechanism: loss of function.

Allele frequency attached by ClinVar (database versions not stated): ExAC 0.00002; gnomAD exomes 0.00001 and 0.00002.
gnomAD v4.1: 11 of 1,609,568 alleles (0.00068%); highest among the groups gnomAD compares: South Asian, 0.011%; no homozygotes.

Submissions (10):

Labcorp Genetics (formerly Invitae), Labcorp
Classification: Uncertain significance for Hereditary breast ovarian cancer syndrome. Last evaluated: 2025-12-31. Review status: criteria provided, single submitter. Criteria: Invitae Variant Classification Sherloc (09022015). Collection method: clinical testing. Allele origin: germline.
Comment: This sequence change replaces leucine, which is neutral and non-polar, with phenylalanine, which is neutral and non-polar, at codon 1740 of the BRCA2 protein (p.Leu1740Phe). This variant is present in population databases (rs750671399, gnomAD 0.01%). This missense change has been observed in individual(s) with clinical features of BRCA2-related conditions (PMID: 21520333). ClinVar contains an entry for this variant (Variation ID: 186936). Invitae Evidence Modeling of protein sequence and biophysical properties (such as structural, functional, and spatial information, amino acid conservation, physicochemical variation, residue mobility, and thermodynamic stability) indicates that this missense variant is not expected to disrupt BRCA2 protein function with a negative predictive value of 95%. In summary, the available evidence is currently insufficient to determine the role of this variant in disease. Therefore, it has been classified as a Variant of Uncertain Significance.

Color Diagnostics, LLC DBA Color Health
Classification: Uncertain significance for Hereditary cancer-predisposing syndrome. Last evaluated: 2025-07-03. Review status: criteria provided, single submitter. Criteria: ACMG Guidelines, 2015. Collection method: clinical testing. Allele origin: germline.
Comment: This missense variant replaces leucine with phenylalanine at codon 1740 of the BRCA2 protein. Computational prediction suggests that this variant may not impact protein structure and function. To our knowledge, functional studies have not been reported for this variant. This variant has been detected in a breast cancer case-control meta-analysis in 0/60466 cases and 1/53461 unaffected individuals (PMID: 33471991Leiden Open Variation Database DB-ID BRCA2_007043). A multifactorial analysis has reported a likelihood ratio for pathogenicity based on personal and family history of 0.802 from log(LR)=-0.0959 for one carrier (PMID: 31853058). This variant has been identified in 4/248802 chromosomes in the general population by the Genome Aggregation Database (gnomAD). The available evidence is insufficient to determine the role of this variant in disease conclusively. Therefore, this variant is classified as a Variant of Uncertain Significance.

Blueprint Genetics
Classification: Likely benign. Last evaluated: 2024-09-03. Review status: criteria provided, single submitter. Criteria: ACMG Guidelines, 2015. Collection method: clinical testing. Allele origin: germline.

Ambry Genetics
Classification: Uncertain significance for Hereditary cancer-predisposing syndrome. Last evaluated: 2024-03-28. Review status: criteria provided, single submitter. Criteria: Ambry Variant Classification Scheme 2023. Collection method: clinical testing. Allele origin: germline.
Comment: The p.L1740F variant (also known as c.5220A>C), located in coding exon 10 of the BRCA2 gene, results from an A to C substitution at nucleotide position 5220. The leucine at codon 1740 is replaced by phenylalanine, an amino acid with highly similar properties. This amino acid position is not well conserved in available vertebrate species. In addition, this alteration is predicted to be tolerated by in silico analysis. Since supporting evidence is limited at this time, the clinical significance of this alteration remains unclear.

All of Us Research Program, National Institutes of Health
Classification: Uncertain significance for Breast-ovarian cancer, familial, susceptibility to, 2. Last evaluated: 2023-11-28. Review status: criteria provided, single submitter. Criteria: ACMG Guidelines, 2015. Collection method: clinical testing. Allele origin: germline. Inheritance: Autosomal dominant inheritance. Observed: 2 variant alleles, 2 heterozygotes.
Comment: This missense variant replaces leucine with phenylalanine at codon 1740 of the BRCA2 protein. Computational prediction suggests that this variant may not impact protein structure and function (internally defined REVEL score threshold <= 0.5, PMID: 27666373). To our knowledge, functional studies have not been reported for this variant. This variant has not been reported in individuals affected with BRCA2-related disorders in the literature. This variant has been identified in 4/248802 chromosomes in the general population by the Genome Aggregation Database (gnomAD). The available evidence is insufficient to determine the role of this variant in disease conclusively. Therefore, this variant is classified as a Variant of Uncertain Significance.

This study involves interpretation of variants in research participants for the purpose of population health screening. Participant phenotype was not available at the time of variant classification. Additional details can be found in publication PMID: 35346344, PMCID: PMC8962531

GeneDx
Classification: Uncertain significance. Last evaluated: 2023-09-18. Review status: criteria provided, single submitter. Criteria: GeneDx Variant Classification Process June 2021. Collection method: clinical testing. Allele origin: germline. Affected: yes.
Comment: Not observed at significant frequency in large population cohorts (gnomAD); In silico analysis supports that this missense variant has a deleterious effect on protein structure/function; Has not been previously published as pathogenic or benign to our knowledge; Also known as 5448A>C; This variant is associated with the following publications: (PMID: 35464868, 29884841, 32377563)

University of Washington Department of Laboratory Medicine, University of Washington
Classification: Likely benign for Hereditary cancer-predisposing syndrome. Last evaluated: 2023-03-23. Review status: criteria provided, single submitter. Criteria: Dines et al. (Genet Med. 2020). Collection method: curation. Allele origin: germline.
Comment: Missense variant in a coldspot region where missense variants are very unlikely to be pathogenic (PMID:31911673).

BRCA2 exon 11 coldspot. Reclassification based on statistical prior probability.

Quest Diagnostics Nichols Institute San Juan Capistrano
Classification: Uncertain significance. Last evaluated: 2023-01-09. Review status: criteria provided, single submitter. Criteria: Quest Diagnostics criteria. Collection method: clinical testing. Allele origin: unknown.
Comment: The frequency of this variant in the general population, 0.00013 (4/30008 chromosomes), is uninformative in assessment of its pathogenicity. In the published literature, the variant has been reported in an individual with breast cancer (PMID: 33471991 (2021)). Analysis of this variant using bioinformatics tools for the prediction of the effect of amino acid changes on protein structure and function yielded predictions that this variant is benign. Based on the available information, we are unable to determine the clinical significance of this variant.

Fulgent Genetics
Classification: Uncertain significance for Familial cancer of breast; Medulloblastoma; Familial prostate cancer; Wilms tumor 1; Fanconi anemia complementation group D1; Breast-ovarian cancer, familial, susceptibility to, 2; Glioma susceptibility 3; Pancreatic cancer, susceptibility to, 2. Last evaluated: 2022-05-31. Review status: criteria provided, single submitter. Criteria: ACMG Guidelines, 2015. Collection method: clinical testing. Allele origin: unknown.

National Health Laboratory Service, Universitas Academic Hospital and University of the Free State
Classification: Uncertain significance for Hereditary breast ovarian cancer syndrome. Last evaluated: 2021-11-16. Review status: criteria provided, single submitter. Criteria: ACMG Guidelines, 2015. Collection method: clinical testing. Allele origin: germline. Affected: yes. Observed: 1 variant allele.

Literature cited by the submitters: PubMed 21520333 (cited by Labcorp Genetics (formerly Invitae), Labcorp); PubMed 31853058 (cited by Color Diagnostics, LLC DBA Color Health); PubMed 33471991 (cited by Color Diagnostics, LLC DBA Color Health and Quest Diagnostics Nichols Institute San Juan Capistrano); DOI 10.3389/fgene.2022.834265 (cited by National Health Laboratory Service, Universitas Academic Hospital and University of the Free State).

NM_000059.4(BRCA2):c.5220A>C (p.Leu1740Phe)

Gene: BRCA2 (BRCA2 DNA repair associated; plus strand). Cytogenetic location: 13q13.1.
Variant type: single nucleotide variant.
Coding change: c.5220A>C on transcript NM_000059.4 (MANE Select); coding-DNA position 5220, A replaced by C.
Protein change: p.Leu1740Phe; replaces leucine 1740 with phenylalanine.
Molecular consequence: missense variant.
Genome position (GRCh38, 1-based): chr13:32,339,575, A>C. VCF-style: chr13-32339575-A-C. GRCh37 (hg19) VCF-style: chr13-32913712-A-C.
Other names: NP_000050.3:p.Leu1740Phe; short protein forms L1740F.
Identifiers: ClinVar variation 186936 (VCV000186936.41), dbSNP rs750671399, ClinGen allele CA021766.